The following is an entry in ClinVar:

ClinVar aggregate classification (germline): Uncertain significance. Review status: criteria provided, multiple submitters, no conflicts (2 of 4 stars). 4 submissions from 4 submitters: Uncertain significance (4). Last evaluated 2026-01-01.

Conditions:
Familial isolated arrhythmogenic right ventricular dysplasia. Identifiers: Orphanet 217656, MedGen C4274968, MONDO:0016342.
Arrhythmogenic right ventricular dysplasia 11. Also called: Arrhythmogenic Right Ventricular Dysplasia/Cardiomyopathy11; ARRHYTHMOGENIC RIGHT VENTRICULAR DYSPLASIA, FAMILIAL, 11; Arrhythmogenic right ventricular dysplasia 11 with mild palmoplantar keratoderma and woolly hair. Identifiers: MedGen C1864850, MONDO:0012506, OMIM 610476.
Cardiovascular phenotype. Identifiers: MedGen CN230736.

Submissions (4):

Labcorp Genetics (formerly Invitae), Labcorp
Classification: Uncertain significance for Arrhythmogenic right ventricular dysplasia 11. Last evaluated: 2026-01-01. Review status: criteria provided, single submitter. Criteria: Invitae Variant Classification Sherloc (09022015). Collection method: clinical testing. Allele origin: germline.
Comment: This sequence change replaces aspartic acid, which is acidic and polar, with valine, which is neutral and non-polar, at codon 271 of the DSC2 protein (p.Asp271Val). This variant is not present in population databases (gnomAD no frequency). This variant has not been reported in the literature in individuals affected with DSC2-related conditions. ClinVar contains an entry for this variant (Variation ID: 1035511). Invitae Evidence Modeling of protein sequence and biophysical properties (such as structural, functional, and spatial information, amino acid conservation, physicochemical variation, residue mobility, and thermodynamic stability) indicates that this missense variant is expected to disrupt DSC2 protein function with a positive predictive value of 80%. In summary, the available evidence is currently insufficient to determine the role of this variant in disease. Therefore, it has been classified as a Variant of Uncertain Significance.

All of Us Research Program, National Institutes of Health
Classification: Uncertain significance for Familial isolated arrhythmogenic right ventricular dysplasia. Last evaluated: 2024-04-16. Review status: criteria provided, single submitter. Criteria: ACMG Guidelines, 2015. Collection method: clinical testing. Allele origin: germline. Inheritance: Autosomal dominant inheritance. Observed: 1 variant allele, 1 heterozygote.
Comment: This missense variant replaces aspartic acid with valine at codon 271 of the DSC2 protein. Computational prediction suggests that this variant may have deleterious impact on protein structure and function (internally defined REVEL score threshold >= 0.7, PMID: 27666373). To our knowledge, functional studies have not been reported for this variant. This variant has not been reported in individuals affected with DSC2-related disorders in the literature. This variant has not been identified in the general population by the Genome Aggregation Database (gnomAD). The available evidence is insufficient to determine the role of this variant in disease conclusively. Therefore, this variant is classified as a Variant of Uncertain Significance.

This study involves interpretation of variants in research participants for the purpose of population health screening. Participant phenotype was not available at the time of variant classification. Additional details can be found in publication PMID: 35346344, PMCID: PMC8962531

Ambry Genetics
Classification: Uncertain significance for Cardiovascular phenotype. Last evaluated: 2023-01-19. Review status: criteria provided, single submitter. Criteria: Ambry Variant Classification Scheme 2023. Collection method: clinical testing. Allele origin: germline.
Comment: The p.D271V variant (also known as c.812A>T), located in coding exon 7 of the DSC2 gene, results from an A to T substitution at nucleotide position 812. The aspartic acid at codon 271 is replaced by valine, an amino acid with highly dissimilar properties. This amino acid position is conserved. In addition, this alteration is predicted to be deleterious by in silico analysis. Since supporting evidence is limited at this time, the clinical significance of this alteration remains unclear.

AiLife Diagnostics
Classification: Uncertain significance. Last evaluated: 2021-12-28. Review status: criteria provided, single submitter. Criteria: ACMG Guidelines, 2015. Collection method: clinical testing. Allele origin: germline. Affected: yes. Observed: 1 variant allele.

NM_024422.6(DSC2):c.812A>T (p.Asp271Val)

Gene: DSC2 (desmocollin 2; minus strand). Cytogenetic location: 18q12.1.
Variant type: single nucleotide variant.
Coding change: c.812A>T on transcript NM_024422.6 (MANE Select); coding-DNA position 812, A replaced by T.
Protein change: p.Asp271Val; replaces aspartic acid 271 with valine.
Molecular consequence: missense variant.
Genome position (GRCh38, 1-based): chr18:31,086,706, T>A on the plus strand (A>T on the coding strand, the complement: DSC2 is on the minus strand). VCF-style: chr18-31086706-T-A. GRCh37 (hg19) VCF-style: chr18-28666669-T-A.
Other names: c.812A>T (NM_024422.3); c.812A>T, p.Asp271Val (NM_004949.5); short protein forms D271V.
Identifiers: ClinVar variation 1035511 (VCV001035511.10), dbSNP rs1987412406, ClinGen allele CA402112246.